The following is an entry in ClinVar:

NM_015557.3(CHD5):c.719G>T (p.Arg240Leu)

Gene: CHD5 (chromodomain helicase DNA binding protein 5; minus strand). Cytogenetic location: 1p36.31.
Variant type: single nucleotide variant.
Coding change: c.719G>T on transcript NM_015557.3 (MANE Select); coding-DNA position 719, G replaced by T.
Protein change: p.Arg240Leu; replaces arginine 240 with leucine.
Molecular consequence: missense variant.
Genome position (GRCh38, 1-based): chr1:6,154,686, C>A on the plus strand (G>T on the coding strand, the complement: CHD5 is on the minus strand). VCF-style: chr1-6154686-C-A. GRCh37 (hg19) VCF-style: chr1-6214746-C-A.
Other names: short protein forms R240L.
Identifiers: ClinVar variation 2504136 (VCV002504136.2), dbSNP rs149780291, ClinGen allele CA338088310.

ClinVar aggregate classification (germline): Uncertain significance (1 of 4 stars; one submission).

gnomAD v4.1: 2 of 1,583,362 alleles (0.00013%); highest among the groups gnomAD compares: East Asian, 0.0022%; no homozygotes.

Submission:

Centre of Medical Genetics, University Hospital Muenster
Classification: Uncertain significance. Last evaluated: 2023-04-17. Review status: criteria provided, single submitter. Criteria: ACMG Guidelines, 2015. Collection method: clinical testing. Allele origin: unknown. Affected: yes. Observed: 1 variant allele, 1 heterozygote.
Comment: ACMG categories: PM2